The following is an entry in ClinVar:

NM_000116.5(TAFAZZIN):c.645C>T (p.Val215=)

Gene: TAFAZZIN (tafazzin, phospholipid-lysophospholipid transacylase; plus strand). Cytogenetic location: Xq28.
Variant type: single nucleotide variant.
Coding change: c.645C>T on transcript NM_000116.5 (MANE Select); coding-DNA position 645, C replaced by T.
Protein change: p.Val215=; no amino-acid change (valine 215 retained).
Molecular consequence: synonymous variant. On other transcripts: non-coding transcript variant (1).
Genome position (GRCh38, 1-based): chrX:154,420,093, C>T. VCF-style: chrX-154420093-C-T. GRCh37 (hg19) VCF-style: chrX-153648432-C-T.
Other names: c.657C>T, p.Val219= (NM_001303465.2); c.609C>T, p.Val203= (NM_001410698.1); c.555C>T, p.Val185= (NM_181311.4); c.603C>T, p.Val201= (NM_181312.4); c.513C>T, p.Val171= (NM_181313.4).
Identifiers: ClinVar variation 1799612 (VCV001799612.7), dbSNP rs374146054, ClinGen allele CA337288171.

ClinVar aggregate classification (germline): Conflicting classifications of pathogenicity. Review status: criteria provided, conflicting classifications (1 of 4 stars). 2 submissions from 2 submitters: Uncertain significance (1); Likely benign (1). Last evaluated 2025-07-20.

Conditions:
Cardiovascular phenotype. Identifiers: MedGen CN230736.
3-Methylglutaconic aciduria type 2 (BTHS). Also called: CARDIOSKELETAL MYOPATHY WITH NEUTROPENIA AND ABNORMAL MITOCHONDRIA; Barth syndrome. Identifiers: Orphanet 111, MedGen C0574083, MONDO:0010543, OMIM 302060.

Allele frequency attached by ClinVar (database versions not stated): gnomAD 0.00001; gnomAD exomes 0.00001; TOPMed 0.00001; ESP Exome Variant Server 0.00009.

Submissions (2):

Labcorp Genetics (formerly Invitae), Labcorp
Classification: Uncertain significance for 3-Methylglutaconic aciduria type 2. Last evaluated: 2025-07-20. Review status: criteria provided, single submitter. Criteria: Invitae Variant Classification Sherloc (09022015). Collection method: clinical testing. Allele origin: germline.
Comment: This sequence change affects codon 215 of the TAZ mRNA. It is a 'silent' change, meaning that it does not change the encoded amino acid sequence of the TAZ protein. It affects a nucleotide within the consensus splice site. This variant is present in population databases (rs374146054, gnomAD 0.005%). This variant has not been reported in the literature in individuals affected with TAZ-related conditions. ClinVar contains an entry for this variant (Variation ID: 1799612). Algorithms developed to predict the effect of sequence changes on RNA splicing suggest that this variant is not likely to affect RNA splicing. In summary, the available evidence is currently insufficient to determine the role of this variant in disease. Therefore, it has been classified as a Variant of Uncertain Significance.

Ambry Genetics
Classification: Likely benign for Cardiovascular phenotype. Last evaluated: 2020-03-22. Review status: criteria provided, single submitter. Criteria: Ambry Variant Classification Scheme 2023. Collection method: clinical testing. Allele origin: germline.